The following is an entry in ClinVar:

ClinVar aggregate classification (germline): Uncertain significance (1 of 4 stars; one submission).

Conditions:
Hereditary breast ovarian cancer syndrome. Also called: Hereditary breast and ovarian cancer; Hereditary breast and ovarian cancer syndrome (HBOC); Breast and ovarian cancer; Hereditary breast and/or ovarian cancer syndrome; Hereditary breast and ovarian cancer syndrome; BRCA1- and BRCA2-Associated Hereditary Breast and Ovarian Cancer. Identifiers: Orphanet 145, MedGen C0677776, MeSH D061325, MONDO:0003582. Disease mechanism: loss of function.

Submission:

Labcorp Genetics (formerly Invitae), Labcorp
Classification: Uncertain significance for Hereditary breast ovarian cancer syndrome. Last evaluated: 2023-04-14. Review status: criteria provided, single submitter. Criteria: Invitae Variant Classification Sherloc (09022015). Collection method: clinical testing. Allele origin: germline.
Comment: This variant has not been reported in the literature in individuals affected with BRCA1-related conditions. This variant is not present in population databases (gnomAD no frequency). This sequence change replaces threonine, which is neutral and polar, with serine, which is neutral and polar, at codon 637 of the BRCA1 protein (p.Thr637Ser). Advanced modeling of protein sequence and biophysical properties (such as structural, functional, and spatial information, amino acid conservation, physicochemical variation, residue mobility, and thermodynamic stability) performed at Invitae indicates that this missense variant is not expected to disrupt BRCA1 protein function. In summary, the available evidence is currently insufficient to determine the role of this variant in disease. Therefore, it has been classified as a Variant of Uncertain Significance.

NM_007294.4(BRCA1):c.1909A>T (p.Thr637Ser)

Gene: BRCA1 (BRCA1 DNA repair associated; minus strand). Cytogenetic location: 17q21.31.
Variant type: single nucleotide variant.
Coding change: c.1909A>T on transcript NM_007294.4 (MANE Select); coding-DNA position 1909, A replaced by T.
Protein change: p.Thr637Ser; replaces threonine 637 with serine.
Molecular consequence: missense variant. On other transcripts: intron variant (137).
Genome position (GRCh38, 1-based): chr17:43,093,622, T>A on the plus strand (A>T on the coding strand, the complement: BRCA1 is on the minus strand). VCF-style: chr17-43093622-T-A. GRCh37 (hg19) VCF-style: chr17-41245639-T-A.
Other names: c.1696A>T, p.Thr566Ser (NM_001407571.1, NM_001407853.1, NM_001407894.1 and 9 more transcripts); c.1909A>T, p.Thr637Ser (NM_001407581.1, NM_001407582.1, NM_001407583.1 and 30 more transcripts); c.1906A>T, p.Thr636Ser (NM_001407587.1, NM_001407590.1, NM_001407591.1 and 22 more transcripts); c.1900A>T, p.Thr634Ser (NM_001407646.1, NM_001407647.1); c.1786A>T, p.Thr596Ser (NM_001407648.1, NM_001407664.1, NM_001407665.1 and 19 more transcripts); c.1783A>T, p.Thr595Ser (NM_001407649.1, NM_001407670.1, NM_001407671.1 and 11 more transcripts); c.1831A>T, p.Thr611Ser (NM_001407653.1, NM_001407654.1, NM_001407655.1 and 4 more transcripts); c.1828A>T, p.Thr610Ser (NM_001407659.1, NM_001407660.1, NM_001407661.1 and 1 more transcripts); and 40 more; short protein forms T549S, T569S, T570S, T469S, T509S, T510S, T567S, T589S.
Identifiers: ClinVar variation 2989136 (VCV002989136.3), dbSNP rs2154411226, ClinGen allele CA10598204.